The following is an entry in ClinVar:

NM_000027.4(AGA):c.507+5G>C

Gene: AGA (aspartylglucosaminidase; minus strand). Cytogenetic location: 4q34.3.
Variant type: single nucleotide variant.
Coding change: c.507+5G>C on transcript NM_000027.4 (MANE Select); 5 bases into the intron after coding-DNA position 507, G replaced by C.
Molecular consequence: intron variant.
Genome position (GRCh38, 1-based): chr4:177,438,740, C>G on the plus strand (G>C on the coding strand, the complement: AGA is on the minus strand). VCF-style: chr4-177438740-C-G. GRCh37 (hg19) VCF-style: chr4-178359894-C-G.
Other names: c.507+5G>C (NM_001171988.2).
Identifiers: ClinVar variation 931254 (VCV000931254.3), dbSNP rs1472514068, ClinGen allele CA1139658705.

ClinVar aggregate classification (germline): Uncertain significance (1 of 4 stars; one submission).

Conditions:
Aspartylglucosaminuria (AGU). Also called: GLYCOASPARAGINASE; GLYCOSYLASPARAGINASE DEFICIENCY; AGA DEFICIENCY; Aspartylglucos-aminuria; Aspartylglucos-amidase (AGA) deficiency. Identifiers: Orphanet 93, MedGen C0268225, MONDO:0008830, OMIM 208400, HP:0012068.

Submission:

Centre for Mendelian Genomics, University Medical Centre Ljubljana
Classification: Uncertain significance for Aspartylglucosaminuria. Last evaluated: 2018-10-12. Review status: criteria provided, single submitter. Criteria: ACMG Guidelines, 2015. Collection method: clinical testing. Allele origin: unknown. Affected: yes.
Comment: This variant was classified as: Uncertain significance. The available evidence on this variant's pathogenicity is insufficient or conflicting. The following ACMG criteria were applied in classifying this variant: PM2,PP3.